The following is an entry in ClinVar:

NM_001458.5(FLNC):c.7327C>T (p.Arg2443Trp)

Genes: FLNC-AS1 (FLNC antisense RNA 1; minus strand), FLNC (filamin C; plus strand). Cytogenetic location: 7q32.1.
Variant type: single nucleotide variant.
Coding change: c.7327C>T on transcript NM_001458.5 (MANE Select); coding-DNA position 7327, C replaced by T.
Protein change: p.Arg2443Trp; replaces arginine 2443 with tryptophan.
Molecular consequence: missense variant.
Genome position (GRCh38, 1-based): chr7:128,856,593, C>T. VCF-style: chr7-128856593-C-T. GRCh37 (hg19) VCF-style: chr7-128496647-C-T.
Other names: c.7228C>T, p.Arg2410Trp (NM_001127487.2); short protein forms R2443W, R2410W.
Identifiers: ClinVar variation 663198 (VCV000663198.13), dbSNP rs1585171621, ClinGen allele CA369216801.

ClinVar aggregate classification (germline): Conflicting classifications of pathogenicity. Review status: criteria provided, conflicting classifications (1 of 4 stars). 4 submissions from 4 submitters: Likely pathogenic (1); Uncertain significance (3). Last evaluated 2026-09-21.

Conditions:
FLNC-related disorder. Also called: FLNC-related disorders; FLNC-related condition.
Distal myopathy with posterior leg and anterior hand involvement. Also called: WILLIAMS DISTAL MYOPATHY. Identifiers: Orphanet 63273, MedGen C3279722, MONDO:0013550, OMIM 614065.
Hypertrophic cardiomyopathy 26. Also called: Cardiomyopathy, familial hypertrophic, 26. Identifiers: Orphanet 75249, MedGen C4310749, MONDO:0014883, OMIM 617047.
Myofibrillar myopathy 5. Also called: Filaminopathy (type); FILAMINOPATHY, AUTOSOMAL DOMINANT. Identifiers: Orphanet 171445, MedGen C1836050, MONDO:0012289, OMIM 609524.
Cardiovascular phenotype. Identifiers: MedGen CN230736.

Allele frequency attached by ClinVar (database versions not stated): gnomAD exomes below 0.00001.
gnomAD v4.1: 4 of 1,612,820 alleles (0.00025%); highest among the groups gnomAD compares: Non-Finnish European, 0.00034%; no homozygotes.

Submissions (4):

Molecular Diagnostic Laboratory for Inherited Cardiovascular Disease, Montreal Heart Institute
Classification: Uncertain significance for Cardiovascular phenotype. Last evaluated: 2026-09-21. Review status: criteria provided, single submitter. Criteria: ACMG Guidelines, 2015. Collection method: clinical testing. Allele origin: germline. Affected: yes.
Comment: PM2

Labcorp Genetics (formerly Invitae), Labcorp
Classification: Uncertain significance for Distal myopathy with posterior leg and anterior hand involvement; Myofibrillar myopathy 5; Hypertrophic cardiomyopathy 26. Last evaluated: 2025-04-07. Review status: criteria provided, single submitter. Criteria: Invitae Variant Classification Sherloc (09022015). Collection method: clinical testing. Allele origin: germline.
Comment: This sequence change replaces arginine, which is basic and polar, with tryptophan, which is neutral and slightly polar, at codon 2443 of the FLNC protein (p.Arg2443Trp). This variant is not present in population databases (gnomAD no frequency). This variant has not been reported in the literature in individuals affected with FLNC-related conditions. ClinVar contains an entry for this variant (Variation ID: 663198). Invitae Evidence Modeling of protein sequence and biophysical properties (such as structural, functional, and spatial information, amino acid conservation, physicochemical variation, residue mobility, and thermodynamic stability) indicates that this missense variant is not expected to disrupt FLNC protein function with a negative predictive value of 95%. In summary, the available evidence is currently insufficient to determine the role of this variant in disease. Therefore, it has been classified as a Variant of Uncertain Significance.

Blueprint Genetics
Classification: Likely pathogenic for FLNC-related disorders. Last evaluated: 2024-09-18. Review status: criteria provided, single submitter. Criteria: ACMG Guidelines, 2015. Collection method: clinical testing. Allele origin: germline. Affected: yes. Observed: 3 variant alleles.

Ambry Genetics
Classification: Uncertain significance for Cardiovascular phenotype. Last evaluated: 2023-06-04. Review status: criteria provided, single submitter. Criteria: Ambry Variant Classification Scheme 2023. Collection method: clinical testing. Allele origin: germline.
Comment: The p.R2443W variant (also known as c.7327C>T), located in coding exon 44 of the FLNC gene, results from a C to T substitution at nucleotide position 7327. The arginine at codon 2443 is replaced by tryptophan, an amino acid with dissimilar properties. This amino acid position is conserved. In addition, the in silico prediction for this alteration is inconclusive. Since supporting evidence is limited at this time, the clinical significance of this alteration remains unclear.